The following is an entry in ClinVar:

NM_006261.5(PROP1):c.109+1G>A

Gene: PROP1 (PROP paired-like homeobox 1; minus strand). Cytogenetic location: 5q35.3.
Variant type: single nucleotide variant.
Coding change: c.109+1G>A on transcript NM_006261.5 (MANE Select); the canonical splice donor site of the intron after coding-DNA position 109, G replaced by A.
Molecular consequence: splice donor variant.
Genome position (GRCh38, 1-based): chr5:177,995,824, C>T on the plus strand (G>A on the coding strand, the complement: PROP1 is on the minus strand). VCF-style: chr5-177995824-C-T. GRCh37 (hg19) VCF-style: chr5-177422825-C-T.
Other names: c.109+1G>A (NM_006261.4).
Identifiers: ClinVar variation 2678071 (VCV002678071.2), dbSNP rs1214465435, ClinGen allele CA362379416.
Genomic context (GRCh38, chr5:177,995,824, plus strand): 5'-GCTTTCAGCCTCACACCCGCTGCCTCCTCAGGGACCCACGCACACCGGGACGGTCACTCA[C>T]CCACCGTGGTGGTCGGGGTCCCAGTGGCCGGGTGTCTCTCAGGCAACAGGTTGCTGCCGA-3'

ClinVar aggregate classification (germline): Pathogenic. Review status: criteria provided, multiple submitters, no conflicts (2 of 4 stars). 2 submissions from 2 submitters: Pathogenic (2). Last evaluated 2024-04-19.

Conditions:
Pituitary hormone deficiency, combined, 2. Also called: PROP1-Related Combined Pituitary Hormone Deficiency; ATELIOTIC DWARFISM WITH HYPOGONADISM; HANHART DWARFISM; PITUITARY DWARFISM III. Identifiers: MedGen C0878683, MONDO:0009878, OMIM 262600.

Submissions (2):

Natera, Inc.
Classification: Pathogenic for Combined pituitary hormone deficiency type 2. Last evaluated: 2024-04-19. Review status: criteria provided, single submitter. Criteria: Natera Variant Classification Schema (03/2026). Collection method: clinical testing. Allele origin: germline.
Comment: The c.109+1G>A variant in PROP1 is a canonical splice donor site variant predicted to affect pre-mRNA splicing, which may result in an abnormal transcript and altered protein product. This variant is expected to result in nonsense mediated decay, truncation, or a dysfunctional protein product. This variant is rare in the general population with a frequency below the threshold expected for the associated phenotype(s). This variant has been observed in one or more individuals affected with the associated recessive disease, as either homozygous or compound heterozygous with a second variant (PMID: 30959475). Given the available evidence, this variant is classified as Pathogenic.

Baylor Genetics
Classification: Pathogenic for Pituitary hormone deficiency, combined, 2. Last evaluated: 2023-08-01. Review status: criteria provided, single submitter. Criteria: ACMG Guidelines, 2015. Collection method: clinical testing. Allele origin: unknown.

Literature cited by the submitters: PubMed 30959475 (cited by Natera, Inc.).